The following is an entry in ClinVar:

ClinVar aggregate classification (germline): Uncertain significance (1 of 4 stars; one submission).

Conditions:
Hereditary diffuse gastric adenocarcinoma (HDGC). Also called: DIFFUSE GASTRIC AND LOBULAR BREAST CANCER SYNDROME. Identifiers: Orphanet 26106, MedGen C1708349, MONDO:0007648, OMIM 137215.

Allele frequency attached by ClinVar (database versions not stated): gnomAD exomes below 0.00001.
gnomAD v4.1: 2 of 1,614,204 alleles (0.00012%); highest among the groups gnomAD compares: Non-Finnish European, 0.00017%; no homozygotes.

Submission:

Labcorp Genetics (formerly Invitae), Labcorp
Classification: Uncertain significance for Hereditary diffuse gastric adenocarcinoma. Last evaluated: 2019-12-05. Review status: criteria provided, single submitter. Criteria: Invitae Variant Classification Sherloc (09022015). Collection method: clinical testing. Allele origin: germline.
Comment: In summary, the available evidence is currently insufficient to determine the role of this variant in disease. Therefore, it has been classified as a Variant of Uncertain Significance. Algorithms developed to predict the effect of missense changes on protein structure and function (SIFT, PolyPhen-2, Align-GVGD) all suggest that this variant is likely to be tolerated, but these predictions have not been confirmed by published functional studies and their clinical significance is uncertain. This variant has not been reported in the literature in individuals with CDH1-related conditions. This variant is not present in population databases (ExAC no frequency). This sequence change replaces threonine with isoleucine at codon 529 of the CDH1 protein (p.Thr529Ile). The threonine residue is weakly conserved and there is a moderate physicochemical difference between threonine and isoleucine.

NM_004360.5(CDH1):c.1586C>T (p.Thr529Ile)

Gene: CDH1 (cadherin 1; plus strand). Cytogenetic location: 16q22.1.
Variant type: single nucleotide variant.
Coding change: c.1586C>T on transcript NM_004360.5 (MANE Select); coding-DNA position 1586, C replaced by T.
Protein change: p.Thr529Ile; replaces threonine 529 with isoleucine.
Molecular consequence: missense variant. On other transcripts: intron variant (1).
Genome position (GRCh38, 1-based): chr16:68,819,300, C>T. VCF-style: chr16-68819300-C-T. GRCh37 (hg19) VCF-style: chr16-68853203-C-T.
Other names: c.1403C>T, p.Thr468Ile (NM_001317184.2); c.38C>T, p.Thr13Ile (NM_001317185.2); c.-254-2701C>T (NM_001317186.2); short protein forms T13I, T529I, T468I.
Identifiers: ClinVar variation 845484 (VCV000845484.10), dbSNP rs1961073180, ClinGen allele CA396464897.